The following is an entry in ClinVar:

NM_001042492.3(NF1):c.808C>A (p.Gln270Lys)

Gene: NF1 (neurofibromin 1; plus strand). Cytogenetic location: 17q11.2.
Variant type: single nucleotide variant.
Coding change: c.808C>A on transcript NM_001042492.3 (MANE Select); coding-DNA position 808, C replaced by A.
Protein change: p.Gln270Lys; replaces glutamine 270 with lysine.
Molecular consequence: missense variant.
Genome position (GRCh38, 1-based): chr17:31,182,585, C>A. VCF-style: chr17-31182585-C-A. GRCh37 (hg19) VCF-style: chr17-29509603-C-A.
Other names: c.808C>A, p.Gln270Lys (NM_000267.4, NM_001128147.3); short protein forms Q270K.
Identifiers: ClinVar variation 5025566 (VCV005025566.1).

ClinVar aggregate classification (germline): Uncertain significance (1 of 4 stars; one submission).

Conditions:
Cardiovascular phenotype. Identifiers: MedGen CN230736.
Hereditary cancer-predisposing syndrome. Also called: Neoplastic Syndromes, Hereditary; Tumor predisposition; Hereditary neoplastic syndrome; Hereditary Cancer Syndrome. Identifiers: Orphanet 140162, MedGen C0027672, MeSH D009386, MONDO:0015356.

Submission:

Ambry Genetics
Classification: Uncertain significance for Cardiovascular phenotype; Hereditary cancer-predisposing syndrome. Last evaluated: 2026-07-27. Review status: criteria provided, single submitter. Criteria: Ambry Variant Classification Scheme 2023. Collection method: clinical testing. Allele origin: germline.
Comment: The p.Q270K variant (also known as c.808C>A), located in coding exon 8 of the NF1 gene, results from a C to A substitution at nucleotide position 808. The glutamine at codon 270 is replaced by lysine, an amino acid with similar properties. This amino acid position is highly conserved in available vertebrate species. In addition, this alteration is predicted to be deleterious by in silico analysis. Based on the available evidence, the clinical significance of this variant remains unclear.